The following is an entry in ClinVar:

ClinVar aggregate classification (germline): Benign/Likely benign. Review status: criteria provided, multiple submitters, no conflicts (2 of 4 stars). 13 submissions from 13 submitters: Benign (8); Likely benign (3). 2 of the submissions do not count toward it. Last evaluated 2026-06-26.

Conditions:
Fanconi anemia (FA). Also called: Fanconi's anemia. Identifiers: Orphanet 84, MedGen C0015625, MeSH D005199, MONDO:0019391.
Fanconi anemia complementation group A (FANCA). Also called: Fanconi anemia, group A; FANCA-Related Fanconi Anemia. Identifiers: Orphanet 84, MedGen C3469521, MONDO:0009215, OMIM 227650.

Allele frequency attached by ClinVar (database versions not stated): 1000 Genomes Project 0.01278; 1000 Genomes Project 30x 0.01327; ExAC 0.02544; gnomAD exomes 0.02607 and 0.03854; TOPMed 0.02736; gnomAD 0.02789 and 0.02828; ESP Exome Variant Server 0.03039.

Submissions (13):

Women's Health and Genetics/Laboratory Corporation of America, LabCorp
Classification: Benign. Last evaluated: 2026-06-26. Review status: criteria provided, single submitter. Criteria: LabCorp Variant Classification Summary - May 2015. Collection method: clinical testing. Allele origin: germline.

Labcorp Genetics (formerly Invitae), Labcorp
Classification: Benign for Fanconi anemia. Last evaluated: 2026-02-04. Review status: criteria provided, single submitter. Criteria: Invitae Variant Classification Sherloc (09022015). Collection method: clinical testing. Allele origin: germline.

ARUP Laboratories, Molecular Genetics and Genomics, ARUP Laboratories
Classification: Benign for Fanconi anemia complementation group A. Last evaluated: 2025-07-21. Review status: criteria provided, single submitter. Criteria: ARUP Molecular Germline Variant Investigation Process 2024. Collection method: clinical testing. Allele origin: germline.

GeneKor MSA
Classification: Benign for Fanconi anemia complementation group A. Last evaluated: 2025-07-10. Review status: criteria provided, single submitter. Criteria: ACMG Guidelines, 2015. Collection method: clinical testing. Allele origin: germline.

Blueprint Genetics
Classification: Likely benign. Last evaluated: 2024-11-27. Review status: criteria provided, single submitter. Criteria: ACMG Guidelines, 2015. Collection method: clinical testing. Allele origin: germline.

KCCC/NGS Laboratory, Kuwait Cancer Control Center
Classification: Benign for Fanconi anemia complementation group A. Last evaluated: 2023-07-07. Review status: criteria provided, single submitter. Criteria: ACMG Guidelines, 2015. Collection method: clinical testing. Allele origin: germline. Affected: yes.

Genome-Nilou Lab
Classification: Benign for Fanconi anemia complementation group A. Last evaluated: 2021-07-08. Review status: criteria provided, single submitter. Criteria: ACMG Guidelines, 2015. Collection method: clinical testing. Allele origin: germline. Affected: no.

Sema4
Classification: Benign for Fanconi anemia. Last evaluated: 2020-07-07. Review status: criteria provided, single submitter. Criteria: Sema4 Curation Guidelines. Collection method: curation. Allele origin: germline.

Center for Pediatric Genomic Medicine, Children's Mercy Hospital and Clinics
Classification: Likely benign. Last evaluated: 2017-10-03. Review status: criteria provided, single submitter. Criteria: ACMG Guidelines, 2015. Collection method: clinical testing. Allele origin: germline.

Breakthrough Genomics
Classification: Likely benign. Review status: criteria provided, single submitter. Criteria: ACMG Guidelines, 2015. Collection method: not provided. Allele origin: germline. Inheritance: Autosomal recessive inheritance. Affected: yes.

PreventionGenetics, part of Exact Sciences
Classification: Benign. Review status: criteria provided, single submitter. Criteria: ACMG Guidelines, 2015. Collection method: clinical testing. Allele origin: germline.

Leiden Open Variation Database
Classification: Uncertain significance for Fanconi anemia complementation group A. Last evaluated: 2020-02-28. Review status: no assertion criteria provided. Collection method: curation. Allele origin: germline. Affected: yes. Not counted in ClinVar's aggregate classification.
Comment: Curator: Arleen D. Auerbach. Submitter to LOVD: Arleen D. Auerbach.

Natera, Inc.
Classification: Benign for Fanconi anemia. Last evaluated: 2019-10-28. Review status: no assertion criteria provided. Collection method: clinical testing. Allele origin: germline. Not counted in ClinVar's aggregate classification.

NM_000135.4(FANCA):c.3348+18A>G

Gene: FANCA (FA complementation group A; minus strand). Cytogenetic location: 16q24.3.
Variant type: single nucleotide variant.
Coding change: c.3348+18A>G on transcript NM_000135.4 (MANE Select); 18 bases into the intron after coding-DNA position 3348, A replaced by G.
Molecular consequence: intron variant.
Genome position (GRCh38, 1-based): chr16:89,748,641, T>C on the plus strand (A>G on the coding strand, the complement: FANCA is on the minus strand). VCF-style: chr16-89748641-T-C. GRCh37 (hg19) VCF-style: chr16-89815049-T-C.
Other names: c.3348+18A>G (LRG_495t1, NM_001286167.3, NM_000135.3).
Identifiers: ClinVar variation 255255 (VCV000255255.33), dbSNP rs1800347, ClinGen allele CA8251224.